The following is an entry in ClinVar:

NM_178138.6(LHX3):c.877T>A (p.Phe293Ile)

Gene: LHX3 (LIM homeobox 3; minus strand). Cytogenetic location: 9q34.3.
Variant type: single nucleotide variant.
Coding change: c.877T>A on transcript NM_178138.6 (MANE Select); coding-DNA position 877, T replaced by A.
Protein change: p.Phe293Ile; replaces phenylalanine 293 with isoleucine.
Molecular consequence: missense variant.
Genome position (GRCh38, 1-based): chr9:136,197,642, A>T on the plus strand (T>A on the coding strand, the complement: LHX3 is on the minus strand). VCF-style: chr9-136197642-A-T. GRCh37 (hg19) VCF-style: chr9-139089488-A-T.
Other names: c.844T>A, p.Phe282Ile (NM_001363746.1); c.892T>A, p.Phe298Ile (NM_014564.5); short protein forms F282I, F293I, F298I.
Identifiers: ClinVar variation 2152283 (VCV002152283.1), dbSNP rs755353004, ClinGen allele CA5330304.
Genomic context (GRCh38, chr9:136,197,642, plus strand): 5'-TGCCGGGACGCAGCTCTCGGTACTGCTCTGGGCCTGCCAGGCCTCCATGCTCCAGGGAGA[A>T]GTTGCCCAGGGCTCCCGAGGGCCGGCCCAAGGCCTGGGTGGGTTCCCCCAAGCTCCCGTA-3'
Protein context (NP_835258.1, residues 283-303): LGRPSGALGN[Phe293Ile]SLEHGGLAGP

ClinVar aggregate classification (germline): Uncertain significance (1 of 4 stars; one submission).

Allele frequency attached by ClinVar (database versions not stated): TOPMed 0.00001; gnomAD exomes 0.00002; ExAC 0.00010.
gnomAD v4.1: 25 of 1,591,618 alleles (0.0016%); highest among the groups gnomAD compares: Middle Eastern, 0.017%; 1 homozygote.

Submission:

Labcorp Genetics (formerly Invitae), Labcorp
Classification: Uncertain significance. Last evaluated: 2022-10-17. Review status: criteria provided, single submitter. Criteria: Invitae Variant Classification Sherloc (09022015). Collection method: clinical testing. Allele origin: germline.
Comment: This sequence change replaces phenylalanine, which is neutral and non-polar, with isoleucine, which is neutral and non-polar, at codon 298 of the LHX3 protein (p.Phe298Ile). This variant is present in population databases (rs755353004, gnomAD 0.007%). This variant has not been reported in the literature in individuals affected with LHX3-related conditions. Algorithms developed to predict the effect of missense changes on protein structure and function are either unavailable or do not agree on the potential impact of this missense change (SIFT: "Not Available"; PolyPhen-2: "Benign"; Align-GVGD: "Not Available"). In summary, the available evidence is currently insufficient to determine the role of this variant in disease. Therefore, it has been classified as a Variant of Uncertain Significance.